The following is an entry in ClinVar:

NM_002334.4(LRP4):c.3343C>A (p.His1115Asn)

Gene: LRP4 (LDL receptor related protein 4; minus strand). Cytogenetic location: 11p11.2.
Variant type: single nucleotide variant.
Coding change: c.3343C>A on transcript NM_002334.4 (MANE Select); coding-DNA position 3343, C replaced by A.
Protein change: p.His1115Asn; replaces histidine 1115 with asparagine.
Molecular consequence: missense variant.
Genome position (GRCh38, 1-based): chr11:46,876,765, G>T on the plus strand (C>A on the coding strand, the complement: LRP4 is on the minus strand). VCF-style: chr11-46876765-G-T. GRCh37 (hg19) VCF-style: chr11-46898316-G-T.
Other names: short protein forms H1115N.
Identifiers: ClinVar variation 1969189 (VCV001969189.5), dbSNP rs1941032102, ClinGen allele CA380274970.

ClinVar aggregate classification (germline): Uncertain significance (1 of 4 stars; one submission).

Conditions:
Congenital myasthenic syndrome 17. Identifiers: Orphanet 590, MedGen C4225377, MONDO:0014578, OMIM 616304.
Sclerosteosis 2 (SOST2). Identifiers: Orphanet 3152, MedGen C3280402, MONDO:0013679, OMIM 614305.
Cenani-Lenz syndactyly syndrome. Also called: SYNDACTYLY, TYPE VII; CENANI SYNDACTYLISM. Identifiers: Orphanet 3258, MedGen C1859309, MONDO:0008931, OMIM 212780.

Allele frequency attached by ClinVar (database versions not stated): TOPMed below 0.00001; gnomAD 0.00001.
gnomAD v4.1: 1 of 1,614,014 alleles (0.000062%); highest among the groups gnomAD compares: African/African-American, 0.0013%; no homozygotes.

Submission:

Labcorp Genetics (formerly Invitae), Labcorp
Classification: Uncertain significance for Cenani-Lenz syndactyly syndrome; Sclerosteosis 2; Congenital myasthenic syndrome 17. Last evaluated: 2024-06-12. Review status: criteria provided, single submitter. Criteria: Invitae Variant Classification Sherloc (09022015). Collection method: clinical testing. Allele origin: germline.
Comment: This sequence change replaces histidine, which is basic and polar, with asparagine, which is neutral and polar, at codon 1115 of the LRP4 protein (p.His1115Asn). This variant is not present in population databases (gnomAD no frequency). This variant has not been reported in the literature in individuals affected with LRP4-related conditions. ClinVar contains an entry for this variant (Variation ID: 1969189). Advanced modeling of protein sequence and biophysical properties (such as structural, functional, and spatial information, amino acid conservation, physicochemical variation, residue mobility, and thermodynamic stability) performed at Invitae indicates that this missense variant is not expected to disrupt LRP4 protein function with a negative predictive value of 80%. In summary, the available evidence is currently insufficient to determine the role of this variant in disease. Therefore, it has been classified as a Variant of Uncertain Significance.